The following is an entry in ClinVar:

NM_020821.3(VPS13C):c.1502C>G (p.Thr501Ser)

Gene: VPS13C (vacuolar protein sorting 13 homolog C; minus strand). Cytogenetic location: 15q22.2.
Variant type: single nucleotide variant.
Coding change: c.1502C>G on transcript NM_020821.3 (MANE Select); coding-DNA position 1502, C replaced by G.
Protein change: p.Thr501Ser; replaces threonine 501 with serine.
Molecular consequence: missense variant.
Genome position (GRCh38, 1-based): chr15:61,991,076, G>C on the plus strand (C>G on the coding strand, the complement: VPS13C is on the minus strand). VCF-style: chr15-61991076-G-C. GRCh37 (hg19) VCF-style: chr15-62283275-G-C.
Other names: c.1502C>G, p.Thr501Ser (NM_001018088.3); c.1373C>G, p.Thr458Ser (NM_017684.5, NM_018080.4); short protein forms T458S, T501S.
Identifiers: ClinVar variation 1430440 (VCV001430440.6), dbSNP rs140027316, ClinGen allele CA7597014.

ClinVar aggregate classification (germline): Uncertain significance (1 of 4 stars; one submission).

Allele frequency attached by ClinVar (database versions not stated): gnomAD exomes 0.00004 and 0.00010; ExAC 0.00008; ESP Exome Variant Server 0.00015; gnomAD 0.00027 and 0.00029; TOPMed 0.00037; 1000 Genomes Project 30x 0.00047; 1000 Genomes Project 0.00060.
gnomAD v4.1: 97 of 1,608,936 alleles (0.006%); highest among the groups gnomAD compares: African/African-American, 0.12%; no homozygotes.

Submission:

Labcorp Genetics (formerly Invitae), Labcorp
Classification: Uncertain significance. Last evaluated: 2022-07-17. Review status: criteria provided, single submitter. Criteria: Invitae Variant Classification Sherloc (09022015). Collection method: clinical testing. Allele origin: germline.
Comment: Algorithms developed to predict the effect of missense changes on protein structure and function are either unavailable or do not agree on the potential impact of this missense change (SIFT: "Deleterious"; PolyPhen-2: "Probably Damaging"; Align-GVGD: "Class C0"). In summary, the available evidence is currently insufficient to determine the role of this variant in disease. Therefore, it has been classified as a Variant of Uncertain Significance. ClinVar contains an entry for this variant (Variation ID: 1430440). This sequence change replaces threonine, which is neutral and polar, with serine, which is neutral and polar, at codon 501 of the VPS13C protein (p.Thr501Ser). This variant is present in population databases (rs140027316, gnomAD 0.1%). This variant has not been reported in the literature in individuals affected with VPS13C-related conditions.